The following is an entry in ClinVar:

NM_000186.4(CFH):c.568A>G (p.Met190Val)

Gene: CFH (complement factor H; plus strand). Cytogenetic location: 1q31.3.
Variant type: single nucleotide variant.
Coding change: c.568A>G on transcript NM_000186.4 (MANE Select); coding-DNA position 568, A replaced by G.
Protein change: p.Met190Val; replaces methionine 190 with valine.
Molecular consequence: missense variant.
Genome position (GRCh38, 1-based): chr1:196,677,616, A>G. VCF-style: chr1-196677616-A-G. GRCh37 (hg19) VCF-style: chr1-196646746-A-G.
Other names: c.568A>G, p.Met190Val (NM_001014975.3); short protein forms M190V.
Identifiers: ClinVar variation 4291297 (VCV004291297.2).

ClinVar aggregate classification (germline): Uncertain significance (1 of 4 stars; one submission).

Conditions:
Factor H deficiency (CFHD). Also called: COMPLEMENT FACTOR H DEFICIENCY; CFH DEFICIENCY. Identifiers: Orphanet 200421, MedGen C0398777, MONDO:0012350, OMIM 609814.

Submission:

Genomenon, Inc
Classification: Uncertain significance for Factor H deficiency. Last evaluated: 2026-09-17. Review status: criteria provided, single submitter. Criteria: Genomenon Sequence Variant Interpretation Standards - Updated. Collection method: curation. Allele origin: germline. Affected: yes.
Comment: CFH p.Met190Val (c.568A>G) is a missense variant that changes the amino acid at codon 190 from methionine to valine. This variant has been observed in at least one proband affected with complement factor H deficiency (PMID: 38344720). It is absent or not present at a significant frequency in gnomAD. In silico models predict that this variant is not damaging. In conclusion, we classify CFH p.Met190Val (c.568A>G) as a variant of uncertain significance.

Literature cited by the submitters: PubMed 38344720.